The following is an entry in ClinVar:

NM_005068.3(SIM1):c.554G>A (p.Cys185Tyr)

Gene: SIM1 (SIM bHLH transcription factor 1; minus strand). Cytogenetic location: 6q16.3.
Variant type: single nucleotide variant.
Coding change: c.554G>A on transcript NM_005068.3 (MANE Select); coding-DNA position 554, G replaced by A.
Protein change: p.Cys185Tyr; replaces cysteine 185 with tyrosine.
Molecular consequence: missense variant.
Genome position (GRCh38, 1-based): chr6:100,448,668, C>T on the plus strand (G>A on the coding strand, the complement: SIM1 is on the minus strand). VCF-style: chr6-100448668-C-T. GRCh37 (hg19) VCF-style: chr6-100896544-C-T.
Other names: c.554G>A, p.Cys185Tyr (NM_001374769.1); short protein forms C185Y.
Identifiers: ClinVar variation 4994456 (VCV004994456.1).
Genomic context (GRCh38, chr6:100,448,668, plus strand): 5'-TAGCAGCCGTCGAAGGGGGACATGTCCAGGCTGTACTGGCGGATCTTCAAGTAGCCGCTG[C>T]AGTGGATGACCTGAGGCAGAGGGATAGGGAGGGAGACTCAGCCACAGGTAGGAAGAGCCC-3'
Protein context (NP_005059.2, residues 175-195): LTCGGYKVIH[Cys185Tyr]SGYLKIRQYS

ClinVar aggregate classification (germline): Uncertain significance (1 of 4 stars; one submission).

Conditions:
SIM1-related disorder. Also called: SIM1-related condition; SIM1-related disorders.

Submission:

PreventionGenetics, part of Exact Sciences
Classification: Uncertain significance for SIM1-related condition. Last evaluated: 2026-04-22. Review status: criteria provided, single submitter. Criteria: ACMG Guidelines, 2015. Collection method: clinical testing. Allele origin: germline.
Comment: The SIM1 c.554G>A variant is predicted to result in the amino acid substitution p.Cys185Tyr. To our knowledge, this variant has not been reported in the literature or in a large population database (gnomAD), indicating this variant is rare. At this time, the clinical significance of this variant is uncertain due to the absence of conclusive functional and genetic evidence.